The following is an entry in ClinVar:

ClinVar aggregate classification (germline): Likely benign. Review status: criteria provided, single submitter (1 of 4 stars). 2 submissions from 2 submitters: Likely benign (1). 1 of the submissions does not count toward it. Last evaluated 2026-01-25.

Conditions:
Intellectual disability, X-linked, with or without seizures, ARX-related. Also called: Mental retardation, X-linked 52; MENTAL RETARDATION, X-LINKED 29; MENTAL RETARDATION, X-LINKED 32; MENTAL RETARDATION, X-LINKED 33; MENTAL RETARDATION, X-LINKED 38; MENTAL RETARDATION, X-LINKED 43. Identifiers: Orphanet 777, MedGen C0796244, MONDO:0010317, OMIM 300419.
Developmental and epileptic encephalopathy, 1 (DEE1). Also called: INFANTILE SPASM SYNDROME, X-LINKED 1; Epileptic encephalopathy, early infantile, 1; X-linked infantile spasms; West's syndrome; Tonic spasms with clustering, arrest of psychomotor development and hypsarrhythmia on EEG; X-Linked Infantile Spasm Syndrome. Identifiers: MedGen C3463992, MONDO:0010632, OMIM 308350. Disease mechanism: loss of function.
ARX-related disorder. Also called: ARX-Related Disorders; ARX-related condition. Identifiers: MedGen CN378769.

Submissions (2):

Labcorp Genetics (formerly Invitae), Labcorp
Classification: Likely benign for Developmental and epileptic encephalopathy, 1; Intellectual disability, X-linked, with or without seizures, ARX-related. Last evaluated: 2026-01-25. Review status: criteria provided, single submitter. Criteria: Invitae Variant Classification Sherloc (09022015). Collection method: clinical testing. Allele origin: germline.

PreventionGenetics, part of Exact Sciences
Classification: Likely benign for ARX-related condition. Last evaluated: 2023-01-09. Review status: no assertion criteria provided. Collection method: clinical testing. Allele origin: germline. Not counted in ClinVar's aggregate classification.
Comment: This variant is classified as likely benign based on ACMG/AMP sequence variant interpretation guidelines (Richards et al. 2015 PMID: 25741868, with internal and published modifications).

NM_139058.3(ARX):c.396C>A (p.Thr132=)

Genes: ARX (aristaless related homeobox; minus strand), LOC109610631 (aristaless related homeobox polyalanine expansion region; plus strand). Cytogenetic location: Xp21.3.
Variant type: single nucleotide variant.
Coding change: c.396C>A on transcript NM_139058.3 (MANE Select); coding-DNA position 396, C replaced by A.
Protein change: p.Thr132=; no amino-acid change (threonine 132 retained).
Molecular consequence: synonymous variant.
Genome position (GRCh38, 1-based): chrX:25,013,599, G>T on the plus strand (C>A on the coding strand, the complement: ARX is on the minus strand). VCF-style: chrX-25013599-G-T. GRCh37 (hg19) VCF-style: chrX-25031716-G-T.
Identifiers: ClinVar variation 3047525 (VCV003047525.3), dbSNP rs2147324272, ClinGen allele CA515947816.